The following is an entry in ClinVar:

NM_032314.4(COQ5):c.352G>A (p.Gly118Ser)

Gene: COQ5 (coenzyme Q5, methyltransferase; minus strand). Cytogenetic location: 12q24.31.
Variant type: single nucleotide variant.
Coding change: c.352G>A on transcript NM_032314.4 (MANE Select); coding-DNA position 352, G replaced by A.
Protein change: p.Gly118Ser; replaces glycine 118 with serine.
Molecular consequence: missense variant.
Genome position (GRCh38, 1-based): chr12:120,522,214, C>T on the plus strand (G>A on the coding strand, the complement: COQ5 is on the minus strand). VCF-style: chr12-120522214-C-T. GRCh37 (hg19) VCF-style: chr12-120960017-C-T.
Other names: short protein forms G118S.
Identifiers: ClinVar variation 4291818 (VCV004291818.2).

ClinVar aggregate classification (germline): Uncertain significance. Review status: criteria provided, multiple submitters, no conflicts (2 of 4 stars). 2 submissions from 2 submitters: Uncertain significance (2). Last evaluated 2024-06-14.

Conditions:
Coenzyme q10 deficiency, primary, 9. Identifiers: MedGen C5436638, MONDO:0033615, OMIM 619028.

gnomAD v4.1: 5 of 1,614,100 alleles (0.00031%); highest among the groups gnomAD compares: Middle Eastern, 0.016%; no homozygotes.

Submissions (2):

3billion
Classification: Uncertain significance for Coenzyme q10 deficiency, primary, 9. Last evaluated: 2024-06-14. Review status: criteria provided, single submitter. Criteria: ACMG Guidelines, 2015. Collection method: clinical testing. Allele origin: germline. Affected: yes.
Comment: The variant is observed at an extremely low frequency in the gnomAD v4.0.0 dataset (total allele frequency: <0.001%). Predicted Consequence/Location: Missense variant In silico tool predictions suggest damaging effect of the variant on gene or gene product [REVEL: 0.96 (>=0.6, sensitivity 0.68 and specificity 0.92)]. The same nucleotide change resulting in the same amino acid change has been previously reported to be associated with COQ5 related disorder (PMID: 21937992). However, the evidence of pathogenicity is insufficient at this time. A different missense change at the same codon (p.Gly118Asp) has been reported to be associated with COQ5 related disorder (ClinVar ID: VCV000871737). Therefore, this variant is classified as VUS according to the recommendation of ACMG/AMP guideline.

Blueprint Genetics
Classification: Uncertain significance. Last evaluated: 2024-06-05. Review status: criteria provided, single submitter. Criteria: ACMG Guidelines, 2015. Collection method: clinical testing. Allele origin: germline.

Literature cited by the submitters: PubMed 21937992 (cited by 3billion).